The following is an entry in ClinVar:

NM_020461.4(TUBGCP6):c.1423G>A (p.Glu475Lys)

Gene: TUBGCP6 (tubulin gamma complex component 6; minus strand). Cytogenetic location: 22q13.33.
Variant type: single nucleotide variant.
Coding change: c.1423G>A on transcript NM_020461.4 (MANE Select); coding-DNA position 1423, G replaced by A.
Protein change: p.Glu475Lys; replaces glutamic acid 475 with lysine.
Molecular consequence: missense variant.
Genome position (GRCh38, 1-based): chr22:50,227,067, C>T on the plus strand (G>A on the coding strand, the complement: TUBGCP6 is on the minus strand). VCF-style: chr22-50227067-C-T. GRCh37 (hg19) VCF-style: chr22-50665496-C-T.
Other names: c.1423G>A (NM_020461.3); short protein forms E475K.
Identifiers: ClinVar variation 1047826 (VCV001047826.8), dbSNP rs905541377, ClinGen allele CA325467156.

ClinVar aggregate classification (germline): Uncertain significance. Review status: criteria provided, multiple submitters, no conflicts (2 of 4 stars). 2 submissions from 2 submitters: Uncertain significance (2). Last evaluated 2025-11-07.

Conditions:
Inborn genetic diseases. Identifiers: MedGen C0950123, MeSH D030342.

Allele frequency attached by ClinVar (database versions not stated): gnomAD 0.00002; TOPMed 0.00001.

Submissions (2):

Ambry Genetics
Classification: Uncertain significance for Inborn genetic diseases. Last evaluated: 2025-11-07. Review status: criteria provided, single submitter. Criteria: Ambry Variant Classification Scheme 2023. Collection method: clinical testing. Allele origin: germline.

Labcorp Genetics (formerly Invitae), Labcorp
Classification: Uncertain significance. Last evaluated: 2024-04-10. Review status: criteria provided, single submitter. Criteria: Invitae Variant Classification Sherloc (09022015). Collection method: clinical testing. Allele origin: germline.
Comment: This sequence change replaces glutamic acid, which is acidic and polar, with lysine, which is basic and polar, at codon 475 of the TUBGCP6 protein (p.Glu475Lys). This variant is present in population databases (no rsID available, gnomAD 0.01%). This variant has not been reported in the literature in individuals affected with TUBGCP6-related conditions. ClinVar contains an entry for this variant (Variation ID: 1047826). An algorithm developed to predict the effect of missense changes on protein structure and function (PolyPhen-2) suggests that this variant is likely to be disruptive. In summary, the available evidence is currently insufficient to determine the role of this variant in disease. Therefore, it has been classified as a Variant of Uncertain Significance.